The following is an entry in ClinVar:

NM_001846.4(COL4A2):c.4954G>A (p.Ala1652Thr)

Gene: COL4A2 (collagen type IV alpha 2 chain; plus strand). Cytogenetic location: 13q34.
Variant type: single nucleotide variant.
Coding change: c.4954G>A on transcript NM_001846.4 (MANE Select); coding-DNA position 4954, G replaced by A.
Protein change: p.Ala1652Thr; replaces alanine 1652 with threonine.
Molecular consequence: missense variant.
Genome position (GRCh38, 1-based): chr13:110,512,006, G>A. VCF-style: chr13-110512006-G-A. GRCh37 (hg19) VCF-style: chr13-111164353-G-A.
Other names: short protein forms A1652T.
Identifiers: ClinVar variation 3895727 (VCV003895727.1).
Genomic context (GRCh38, chr13:110,512,006, plus strand): 5'-GGAGACGAAGGCGGTGGCCAATCACTGGTGTCACCGGGCAGCTGTCTAGAGGACTTCCGC[G>A]CCACACCATTCATCGAATGCAATGGAGGCCGCGGCACCTGCCACTACTACGCCAACAAGT-3'
Protein context (NP_001837.2, residues 1642-1662): SPGSCLEDFR[Ala1652Thr]TPFIECNGGR

ClinVar aggregate classification (germline): Uncertain significance (1 of 4 stars; one submission).

gnomAD v4.1: 7 of 1,613,400 alleles (0.00043%); highest among the groups gnomAD compares: Middle Eastern, 0.016%; no homozygotes.

Submission:

Women's Health and Genetics/Laboratory Corporation of America, LabCorp
Classification: Uncertain significance. Last evaluated: 2025-03-11. Review status: criteria provided, single submitter. Criteria: LabCorp Variant Classification Summary - May 2015. Collection method: clinical testing. Allele origin: germline.
Comment: Variant summary: COL4A2 c.4954G>A (p.Ala1652Thr) results in a non-conservative amino acid change in the encoded protein sequence. Four of five in-silico tools predict a damaging effect of the variant on protein function. The variant allele was found at a frequency of 2e-05 in 248798 control chromosomes (gnomAD). The available data on variant occurrences in the general population are insufficient to allow any conclusion about variant significance. To our knowledge, no occurrence of c.4954G>A in individuals affected with Porencephaly 2 and no experimental evidence demonstrating its impact on protein function have been reported. No submitters have cited clinical-significance assessments for this variant to ClinVar. Based on the evidence outlined above, the variant was classified as uncertain significance.